The following is an entry in ClinVar:

ClinVar aggregate classification (germline): Uncertain significance (1 of 4 stars; one submission).

Conditions:
Hereditary hyperferritinemia with congenital cataracts. Also called: Hereditary hyperferritinemia cataract syndrome; Bonneau-Beaumont syndrome; HYPERFERRITINEMIA WITH OR WITHOUT CATARACT. Identifiers: Orphanet 163, MedGen C1833213, MONDO:0010952, OMIM 600886.
Neuroferritinopathy (NBIA3). Also called: NEURODEGENERATION WITH BRAIN IRON ACCUMULATION 3; BASAL GANGLIA DISEASE, ADULT-ONSET. Identifiers: Orphanet 157846, MedGen C1853578, MONDO:0011638, OMIM 606159.

Allele frequency attached by ClinVar (database versions not stated): ExAC 0.00001; gnomAD exomes 0.00001; TOPMed 0.00001.

Submission:

Labcorp Genetics (formerly Invitae), Labcorp
Classification: Uncertain significance for Neuroferritinopathy; Hereditary hyperferritinemia with congenital cataracts. Last evaluated: 2019-08-13. Review status: criteria provided, single submitter. Criteria: Invitae Variant Classification Sherloc (09022015). Collection method: clinical testing. Allele origin: germline.
Comment: In summary, the available evidence is currently insufficient to determine the role of this variant in disease. Therefore, it has been classified as a Variant of Uncertain Significance. Algorithms developed to predict the effect of missense changes on protein structure and function are either unavailable or do not agree on the potential impact of this missense change (SIFT: "Deleterious"; PolyPhen-2: "Benign"; Align-GVGD: "Class C45"). This variant has not been reported in the literature in individuals with FTL-related conditions. This variant is present in population databases (rs750964137, ExAC 0.002%). This sequence change replaces methionine with threonine at codon 101 of the FTL protein (p.Met101Thr). The methionine residue is weakly conserved and there is a moderate physicochemical difference between methionine and threonine.

NM_000146.4(FTL):c.302T>C (p.Met101Thr)

Gene: FTL (ferritin light chain; plus strand). Cytogenetic location: 19q13.33.
Variant type: single nucleotide variant.
Coding change: c.302T>C on transcript NM_000146.4 (MANE Select); coding-DNA position 302, T replaced by C.
Protein change: p.Met101Thr; replaces methionine 101 with threonine.
Molecular consequence: missense variant.
Genome position (GRCh38, 1-based): chr19:48,966,333, T>C. VCF-style: chr19-48966333-T-C. GRCh37 (hg19) VCF-style: chr19-49469590-T-C.
Other names: short protein forms M101T.
Identifiers: ClinVar variation 960669 (VCV000960669.10), dbSNP rs750964137, ClinGen allele CA9562535.